The following is an entry in ClinVar:

NM_006939.4(SOS2):c.1094A>C (p.Gln365Pro)

Gene: SOS2 (SOS Ras/Rho guanine nucleotide exchange factor 2; minus strand). Cytogenetic location: 14q21.3.
Variant type: single nucleotide variant.
Coding change: c.1094A>C on transcript NM_006939.4 (MANE Select); coding-DNA position 1094, A replaced by C.
Protein change: p.Gln365Pro; replaces glutamine 365 with proline.
Molecular consequence: missense variant.
Genome position (GRCh38, 1-based): chr14:50,161,584, T>G on the plus strand (A>C on the coding strand, the complement: SOS2 is on the minus strand). VCF-style: chr14-50161584-T-G. GRCh37 (hg19) VCF-style: chr14-50628302-T-G.
Other names: short protein forms Q365P.
Identifiers: ClinVar variation 1309227 (VCV001309227.2), dbSNP rs2139636244, ClinGen allele CA389646586.

ClinVar aggregate classification (germline): Uncertain significance (1 of 4 stars; one submission).

Submission:

GeneDx
Classification: Uncertain significance. Last evaluated: 2019-10-16. Review status: criteria provided, single submitter. Criteria: GeneDx Variant Classification Process June 2021. Collection method: clinical testing. Allele origin: germline. Affected: yes.
Comment: Not observed in large population cohorts (Lek et al., 2016); In silico analysis, which includes protein predictors and evolutionary conservation, supports that this variant does not alter protein structure/function; Has not been previously published as pathogenic or benign to our knowledge